The following is an entry in ClinVar:

NM_016239.4(MYO15A):c.8232C>A (p.Asn2744Lys)

Gene: MYO15A (myosin XVA; plus strand). Cytogenetic location: 17p11.2.
Variant type: single nucleotide variant.
Coding change: c.8232C>A on transcript NM_016239.4 (MANE Select); coding-DNA position 8232, C replaced by A.
Protein change: p.Asn2744Lys; replaces asparagine 2744 with lysine.
Molecular consequence: missense variant.
Genome position (GRCh38, 1-based): chr17:18,155,117, C>A. VCF-style: chr17-18155117-C-A. GRCh37 (hg19) VCF-style: chr17-18058431-C-A.
Other names: c.8232C>A (NM_016239.3); short protein forms N2744K.
Identifiers: ClinVar variation 1995724 (VCV001995724.2), dbSNP rs1461182796, ClinGen allele CA398625886.

ClinVar aggregate classification (germline): Uncertain significance. Review status: criteria provided, multiple submitters, no conflicts (2 of 4 stars). 2 submissions from 2 submitters: Uncertain significance (2). Last evaluated 2022-10-04.

Allele frequency attached by ClinVar (database versions not stated): TOPMed 0.00001.
gnomAD v4.1: 1 of 1,613,414 alleles (0.000062%); highest among the groups gnomAD compares: Admixed American, 0.0017%; no homozygotes.

Submissions (2):

GeneDx
Classification: Uncertain significance. Last evaluated: 2022-10-04. Review status: criteria provided, single submitter. Criteria: GeneDx Variant Classification Process June 2021. Collection method: clinical testing. Allele origin: germline. Affected: yes.
Comment: Not observed at significant frequency in large population cohorts (gnomAD); In silico analysis supports that this missense variant has a deleterious effect on protein structure/function; Has not been previously published as pathogenic or benign to our knowledge

Labcorp Genetics (formerly Invitae), Labcorp
Classification: Uncertain significance. Last evaluated: 2022-07-30. Review status: criteria provided, single submitter. Criteria: Invitae Variant Classification Sherloc (09022015). Collection method: clinical testing. Allele origin: germline.
Comment: This sequence change replaces asparagine, which is neutral and polar, with lysine, which is basic and polar, at codon 2744 of the MYO15A protein (p.Asn2744Lys). This variant is present in population databases (no rsID available, gnomAD 0.003%). This variant has not been reported in the literature in individuals affected with MYO15A-related conditions. Advanced modeling of protein sequence and biophysical properties (such as structural, functional, and spatial information, amino acid conservation, physicochemical variation, residue mobility, and thermodynamic stability) performed at Invitae indicates that this missense variant is not expected to disrupt MYO15A protein function. In summary, the available evidence is currently insufficient to determine the role of this variant in disease. Therefore, it has been classified as a Variant of Uncertain Significance.